The following is an entry in ClinVar:

ClinVar aggregate classification (germline): Uncertain significance (1 of 4 stars; one submission).

Submission:

Labcorp Genetics (formerly Invitae), Labcorp
Classification: Uncertain significance. Last evaluated: 2024-04-09. Review status: criteria provided, single submitter. Criteria: Invitae Variant Classification Sherloc (09022015). Collection method: clinical testing. Allele origin: germline.
Comment: This sequence change replaces threonine, which is neutral and polar, with isoleucine, which is neutral and non-polar, at codon 1171 of the LAMC3 protein (p.Thr1171Ile). This variant is not present in population databases (gnomAD no frequency). This variant has not been reported in the literature in individuals affected with LAMC3-related conditions. An algorithm developed to predict the effect of missense changes on protein structure and function (PolyPhen-2) suggests that this variant is likely to be tolerated. In summary, the available evidence is currently insufficient to determine the role of this variant in disease. Therefore, it has been classified as a Variant of Uncertain Significance.

NM_006059.4(LAMC3):c.3512C>T (p.Thr1171Ile)

Gene: LAMC3 (laminin subunit gamma 3; plus strand). Cytogenetic location: 9q34.12.
Variant type: single nucleotide variant.
Coding change: c.3512C>T on transcript NM_006059.4 (MANE Select); coding-DNA position 3512, C replaced by T.
Protein change: p.Thr1171Ile; replaces threonine 1171 with isoleucine.
Molecular consequence: missense variant.
Genome position (GRCh38, 1-based): chr9:131,075,848, C>T. VCF-style: chr9-131075848-C-T. GRCh37 (hg19) VCF-style: chr9-133951235-C-T.
Other names: short protein forms T1171I.
Identifiers: ClinVar variation 3648570 (VCV003648570.2).